The following is an entry in ClinVar:

ClinVar aggregate classification (germline): Uncertain significance (1 of 4 stars; one submission).

gnomAD v4.1: 3 of 1,613,856 alleles (0.00019%); highest among the groups gnomAD compares: Non-Finnish European, 0.00025%; no homozygotes.

Submission:

GeneDx
Classification: Uncertain significance. Last evaluated: 2024-02-08. Review status: criteria provided, single submitter. Criteria: GeneDx Variant Classification Process June 2021. Collection method: clinical testing. Allele origin: germline. Affected: yes.
Comment: Not observed at significant frequency in large population cohorts (gnomAD); In silico analysis supports that this missense variant does not alter protein structure/function; Has not been previously published as pathogenic or benign to our knowledge

NM_139319.3(SLC17A8):c.1730C>T (p.Ser577Phe)

Gene: SLC17A8 (solute carrier family 17 member 8; plus strand). Cytogenetic location: 12q23.1.
Variant type: single nucleotide variant.
Coding change: c.1730C>T on transcript NM_139319.3 (MANE Select); coding-DNA position 1730, C replaced by T.
Protein change: p.Ser577Phe; replaces serine 577 with phenylalanine.
Molecular consequence: missense variant.
Genome position (GRCh38, 1-based): chr12:100,420,119, C>T. VCF-style: chr12-100420119-C-T. GRCh37 (hg19) VCF-style: chr12-100813897-C-T.
Other names: c.1580C>T, p.Ser527Phe (NM_001145288.2); short protein forms S527F, S577F.
Identifiers: ClinVar variation 3368995 (VCV003368995.1).
Genomic context (GRCh38, chr12:100,420,119, plus strand): 5'-TCCAGAAGAAGGAATGGAAAGGACAGAGAGGAGCGACCCTTGATGAGGAAGAGCTGACAT[C>T]CTACCAGAATGAAGAGAGAAACTTCTCAACTATATCCTAATGTCTGAGAGGCACTTCTGT-3'
Protein context (NP_647480.1, residues 567-587): GATLDEEELT[Ser577Phe]YQNEERNFST